The following is an entry in ClinVar:

NM_004999.4(MYO6):c.1756G>C (p.Val586Leu)

Gene: MYO6 (myosin VI; plus strand). Cytogenetic location: 6q14.1.
Variant type: single nucleotide variant.
Coding change: c.1756G>C on transcript NM_004999.4 (MANE Select); coding-DNA position 1756, G replaced by C.
Protein change: p.Val586Leu; replaces valine 586 with leucine.
Molecular consequence: missense variant. On other transcripts: non-coding transcript variant (1).
Genome position (GRCh38, 1-based): chr6:75,866,607, G>C. VCF-style: chr6-75866607-G-C. GRCh37 (hg19) VCF-style: chr6-76576324-G-C.
Other names: c.1741G>C, p.Val581Leu (NM_001368138.1); c.1756G>C, p.Val586Leu (NM_001368865.1, NM_001368866.1, NM_001300899.2 and 2 more transcripts); short protein forms V581L, V586L.
Identifiers: ClinVar variation 1064971 (VCV001064971.3), dbSNP rs1776720096, ClinGen allele CA364764812.

ClinVar aggregate classification (germline): Uncertain significance (1 of 4 stars; one submission).

Conditions:
Hearing impairment. Also called: Impaired Hearing. Identifiers: MedGen C1384666, MONDO:0005365, HP:0000365.

Submission:

Department of Otolaryngology – Head & Neck Surgery, Cochlear Implant Center
Classification: Uncertain significance for Hearing impairment. Last evaluated: 2021-04-12. Review status: criteria provided, single submitter. Criteria: ClinGen HL ACMG Specifications v1. Collection method: clinical testing. Allele origin: germline. Affected: yes.
Comment: PM2_Moderate, PP3_Supporting